The following is an entry in ClinVar:

ClinVar aggregate classification (germline): Uncertain significance (1 of 4 stars; one submission).

Conditions:
Inborn genetic diseases. Identifiers: MedGen C0950123, MeSH D030342.

Submission:

Ambry Genetics
Classification: Uncertain significance for Inborn genetic diseases. Last evaluated: 2022-02-22. Review status: criteria provided, single submitter. Criteria: Ambry Variant Classification Scheme 2023. Collection method: clinical testing. Allele origin: germline.
Comment: The p.K539N variant (also known as c.1617G>T), located in coding exon 14 of the LRRK2 gene, results from a G to T substitution at nucleotide position 1617. The lysine at codon 539 is replaced by asparagine, an amino acid with similar properties. This amino acid position is conserved. In addition, this alteration is predicted to be tolerated by in silico analysis. Since supporting evidence is limited at this time, the clinical significance of this alteration remains unclear.

NM_198578.4(LRRK2):c.1617G>T (p.Lys539Asn)

Gene: LRRK2 (leucine rich repeat kinase 2; plus strand). Cytogenetic location: 12q12.
Variant type: single nucleotide variant.
Coding change: c.1617G>T on transcript NM_198578.4 (MANE Select); coding-DNA position 1617, G replaced by T.
Protein change: p.Lys539Asn; replaces lysine 539 with asparagine.
Molecular consequence: missense variant.
Genome position (GRCh38, 1-based): chr12:40,263,862, G>T. VCF-style: chr12-40263862-G-T. GRCh37 (hg19) VCF-style: chr12-40657664-G-T.
Other names: short protein forms K539N.
Identifiers: ClinVar variation 1776519 (VCV001776519.2), dbSNP rs2499572426, ClinGen allele CA384399067.